The following is an entry in ClinVar:

ClinVar aggregate classification (germline): other (0 of 4 stars; one submission).

Conditions:
Familial colorectal cancer. Identifiers: MedGen CN280943, MONDO:0023113. Disease mechanism: loss of function.

Submission:

Systems Biology Platform Zhejiang California International NanoSystems Institute
Classification: other for Familial colorectal cancer. Review status: no assertion criteria provided. Collection method: not provided. Allele origin: unknown.
ClinVar note: Converted during submission from cancer to other.

NM_000038.6(APC):c.1743+299T>G

Gene: APC (APC regulator of WNT signaling pathway; plus strand). Cytogenetic location: 5q22.2.
Variant type: single nucleotide variant.
Coding change: c.1743+299T>G on transcript NM_000038.6 (MANE Select); 299 bases into the intron after coding-DNA position 1743, T replaced by G.
Molecular consequence: intron variant.
Genome position (GRCh38, 1-based): chr5:112,829,271, T>G. VCF-style: chr5-112829271-T-G. GRCh37 (hg19) VCF-style: chr5-112164968-T-G.
Other names: c.1743+299T>G (NM_001354895.2, NM_001127510.3); c.1773+299T>G (NM_001354897.2); c.1470+299T>G (NM_001354902.2); c.1689+299T>G (NM_001127511.3); c.1668+299T>G (NM_001354898.2); c.1365+299T>G (NM_001354904.2); c.894+299T>G (NM_001354906.2); c.1797+299T>G (NM_001354896.2); and 5 more.
Identifiers: ClinVar variation 83164 (VCV000083164.2), dbSNP rs79697679, ClinGen allele CA005651.
Genomic context (GRCh38, chr5:112,829,271, plus strand): 5'-TCACTGCAACCTCCGTCTCCCATGTTCAAGTGATTCTCCTGCCTCAGCCTCCTGAGTAGC[T>G]GGGATTACAGTGCACGCCACCACTCCCGGCTATTTGTATTTTTAGTAGAGATGGGGTTTC-3'